The following is an entry in ClinVar:

NM_001267550.2(TTN):c.11311+3236G>A

Gene: TTN (titin; minus strand). Cytogenetic location: 2q31.2.
Variant type: single nucleotide variant.
Coding change: c.11311+3236G>A on transcript NM_001267550.2 (MANE Select); 3236 bases into the intron after coding-DNA position 11311, G replaced by A.
Molecular consequence: intron variant. On other transcripts: missense variant (1).
Genome position (GRCh38, 1-based): chr2:178,749,888, C>T on the plus strand (G>A on the coding strand, the complement: TTN is on the minus strand). VCF-style: chr2-178749888-C-T. GRCh37 (hg19) VCF-style: chr2-179614615-C-T.
Other names: c.12512G>A, p.Arg4171Lys (NM_133379.5); c.10222+3236G>A (NM_003319.4); c.10798+3236G>A (NM_133437.4); c.10597+3236G>A (NM_133432.3); c.10360+3236G>A (NM_133378.4, NM_001256850.1); short protein forms R4171K.
Identifiers: ClinVar variation 3766468 (VCV003766468.2).
Genomic context (GRCh38, chr2:178,749,888, plus strand): 5'-GTTACAACTGGCTGGGGCTCACCAGATATTAAACATTCAAGAATGATGGAATCCCCTTCT[C>T]TACACCTGGCATGCTTTGGCATTTCTTGTAACATTTTTGGTGGTTCATTAGTAATATCAG-3'

ClinVar aggregate classification (germline): Conflicting classifications of pathogenicity. Review status: criteria provided, conflicting classifications (1 of 4 stars). 2 submissions from 2 submitters: Uncertain significance (1); Likely benign (1). Last evaluated 2024-02-16.

gnomAD v4.1: 10 of 1,613,198 alleles (0.00062%); highest among the groups gnomAD compares: East Asian, 0.018%; no homozygotes.

Submissions (2):

ARUP Laboratories, Molecular Genetics and Genomics, ARUP Laboratories
Classification: Uncertain significance. Last evaluated: 2024-02-16. Review status: criteria provided, single submitter. Criteria: ARUP Molecular Germline Variant Investigation Process 2024. Collection method: clinical testing. Allele origin: germline.
Comment: The TTN c.12512G>A; p.Arg4171Lys variant (rs548018292) is rare in the general population (<0.2% allele frequency in the Genome Aggregation Database v2.1.1) and has not been reported in the medical literature in association with dilated cardiomyopathy (DCM) or other TTN-related disease. The clinical relevance of rare missense variants in this gene, which are identified on average once per individual sequenced in affected populations (Herman 2012), is not well understood. Yet, evidence suggests that the vast majority of such missense variants do not contribute to the clinical outcome of DCM (Begay 2015). Thus, the clinical significance of the p.Arg4171Lys variant cannot be determined with certainty.

Blueprint Genetics
Classification: Likely benign. Last evaluated: 2021-10-05. Review status: criteria provided, single submitter. Criteria: ACMG Guidelines, 2015. Collection method: clinical testing. Allele origin: germline.